The following is an entry in ClinVar:

NM_145239.3(PRRT2):c.1012G>A (p.Val338Met)

Genes: MVP-DT (MVP divergent transcript; minus strand), PRRT2 (proline rich transmembrane protein 2; plus strand). Cytogenetic location: 16p11.2.
Variant type: single nucleotide variant.
Coding change: c.1012G>A on transcript NM_145239.3 (MANE Select); coding-DNA position 1012, G replaced by A.
Protein change: p.Val338Met; replaces valine 338 with methionine.
Molecular consequence: missense variant. On other transcripts: 3 prime UTR variant (1).
Genome position (GRCh38, 1-based): chr16:29,814,465, G>A. VCF-style: chr16-29814465-G-A. GRCh37 (hg19) VCF-style: chr16-29825786-G-A.
Other names: c.1012G>A, p.Gly338Ser (NM_001256442.2); c.*511G>A (NM_001256443.2); short protein forms G338S, V338M.
Identifiers: ClinVar variation 871892 (VCV000871892.50), dbSNP rs772116016, ClinGen allele CA7994642.

ClinVar aggregate classification (germline): Uncertain significance. Review status: criteria provided, multiple submitters, no conflicts (2 of 4 stars). 3 submissions from 3 submitters: Uncertain significance (3). Last evaluated 2023-12-30.

Conditions:
Episodic kinesigenic dyskinesia (EKD). Also called: Paroxysmal kinesigenic dyskinesia. Identifiers: Orphanet 98809, MedGen C1868682, MONDO:0044202.

Allele frequency attached by ClinVar (database versions not stated): gnomAD exomes below 0.00001; ExAC 0.00001.

Submissions (3):

Labcorp Genetics (formerly Invitae), Labcorp
Classification: Uncertain significance for Episodic kinesigenic dyskinesia. Last evaluated: 2023-12-30. Review status: criteria provided, single submitter. Criteria: Invitae Variant Classification Sherloc (09022015). Collection method: clinical testing. Allele origin: germline.
Comment: This sequence change replaces valine, which is neutral and non-polar, with methionine, which is neutral and non-polar, at codon 338 of the PRRT2 protein (p.Val338Met). This variant also falls at the last nucleotide of exon 3, which is part of the consensus splice site for this exon. This variant is present in population databases (rs772116016, gnomAD 0.006%). This missense change has been observed in individual(s) with paroxysmal kinesigenic dyskinesia (PMID: 34825340). ClinVar contains an entry for this variant (Variation ID: 871892). Advanced modeling of protein sequence and biophysical properties (such as structural, functional, and spatial information, amino acid conservation, physicochemical variation, residue mobility, and thermodynamic stability) performed at Invitae indicates that this missense variant is not expected to disrupt PRRT2 protein function with a negative predictive value of 95%. Variants that disrupt the consensus splice site are a relatively common cause of aberrant splicing (PMID: 17576681, 9536098). In summary, the available evidence is currently insufficient to determine the role of this variant in disease. Therefore, it has been classified as a Variant of Uncertain Significance.

GeneDx
Classification: Uncertain significance. Last evaluated: 2022-08-17. Review status: criteria provided, single submitter. Criteria: GeneDx Variant Classification Process June 2021. Collection method: clinical testing. Allele origin: germline. Affected: yes.
Comment: Previously reported as a variant of uncertain significance in an individual with paroxysmal kinesigenic dyskinesia (Chen et al., 2021); In-silico analysis, which includes splice predictors and evolutionary conservation, is inconclusive as to whether the variant alters gene splicing. In the absence of RNA/functional studies, the actual effect of this sequence change is unknown.; In silico analysis supports that this missense variant does not alter protein structure/function; Not observed at significant frequency in large population cohorts (gnomAD); This variant is associated with the following publications: (PMID: 34825340)

CeGaT Center for Human Genetics Tuebingen
Classification: Uncertain significance. Last evaluated: 2019-11-01. Review status: criteria provided, single submitter. Criteria: CeGaT Center For Human Genetics Tuebingen Variant Classification Criteria Version 2. Collection method: clinical testing. Allele origin: germline. Affected: yes. Observed: 1 variant allele.

Literature cited by the submitters: PubMed 34825340 (cited by Labcorp Genetics (formerly Invitae), Labcorp); PubMed 17576681 (cited by Labcorp Genetics (formerly Invitae), Labcorp); PubMed 9536098 (cited by Labcorp Genetics (formerly Invitae), Labcorp).